The following is an entry in ClinVar:

NM_147127.5(EVC2):c.599_602dup (p.Glu202fs)

Gene: EVC2 (EvC ciliary complex subunit 2; minus strand). Cytogenetic location: 4p16.2.
Variant type: Microsatellite.
Coding change: c.599_602dup on transcript NM_147127.5 (MANE Select); coding-DNA positions 599 to 602, 4 bases duplicated (TCTC; older notation c.599_602dupTCTC).
Protein change: p.Glu202fs; shifts the reading frame from glutamic acid 202.
Molecular consequence: frameshift variant.
Genome position (GRCh38, 1-based): chr4:5,689,261-5,689,264, GAGA duplicated on the plus strand (TCTC on the coding strand, the reverse complement: EVC2 is on the minus strand); duplicating any 4 consecutive bases within chr4:5,689,261-5,689,265 gives the same sequence; the c. name uses the placement nearest the transcript's 3' end. VCF-style (leftmost placement, unchanged base first): chr4-5689260-C-CGAGA. GRCh37 (hg19) VCF-style: chr4-5690987-C-CGAGA.
Other names: c.359_362dup, p.Glu122fs (NM_001166136.2); short protein forms E122fs, E202fs.
Identifiers: ClinVar variation 2070438 (VCV002070438.4), dbSNP rs2475591341, ClinGen allele CA2580616063.

ClinVar aggregate classification (germline): Pathogenic (1 of 4 stars; one submission).

Conditions:
Curry-Hall syndrome (WAD). Also called: WEYERS ACRODENTAL DYSOSTOSIS. Identifiers: Orphanet 952, MedGen C0457013, MONDO:0008673, OMIM 193530.
Ellis-van Creveld syndrome (EVC). Also called: Chondroectodermal dysplasia; MESOECTODERMAL DYSPLASIA; EVC-Related Ellis-van Creveld Syndrome; EVC2-Related Ellis-van Creveld Syndrome. Identifiers: Orphanet 289, MedGen C0013903, MONDO:0009162, OMIM 225500.

Submission:

Labcorp Genetics (formerly Invitae), Labcorp
Classification: Pathogenic for Curry-Hall syndrome; Ellis-van Creveld syndrome. Last evaluated: 2022-01-02. Review status: criteria provided, single submitter. Criteria: Invitae Variant Classification Sherloc (09022015). Collection method: clinical testing. Allele origin: germline.
Comment: For these reasons, this variant has been classified as Pathogenic. This variant has not been reported in the literature in individuals affected with EVC2-related conditions. This variant is not present in population databases (gnomAD no frequency). This sequence change creates a premature translational stop signal (p.Glu202Leufs*30) in the EVC2 gene. It is expected to result in an absent or disrupted protein product. Loss-of-function variants in EVC2 are known to be pathogenic (PMID: 17024374, 19810119, 19876929).

Literature cited by the submitters: PubMed 17024374; PubMed 19810119; PubMed 19876929.